The following is an entry in ClinVar:

NM_001199862.2(KCNAB2):c.1158+51C>T

Gene: KCNAB2 (potassium voltage-gated channel subfamily A regulatory beta subunit 2; plus strand). Cytogenetic location: 1p36.31.
Variant type: single nucleotide variant.
Coding change: c.1158+51C>T on transcript NM_001199862.2 (MANE Select); 51 bases into the intron after coding-DNA position 1158, C replaced by T.
Molecular consequence: intron variant.
Genome position (GRCh38, 1-based): chr1:6,097,408, C>T. VCF-style: chr1-6097408-C-T. GRCh37 (hg19) VCF-style: chr1-6157468-C-T.
Other names: c.1014+51C>T (NM_001199861.2, NM_003636.4, NM_001199860.2); c.972+51C>T (NM_172130.3); c.813+51C>T (NM_001199863.2).
Identifiers: ClinVar variation 3250730 (VCV003250730.18), dbSNP rs748870246.

ClinVar aggregate classification (germline): Likely benign (1 of 4 stars; one submission).

Allele frequency attached by ClinVar (database versions not stated): gnomAD exomes 0.00002; TOPMed below 0.00001.
gnomAD v4.1: 21 of 1,548,534 alleles (0.0014%); highest among the groups gnomAD compares: East Asian, 0.0024%; no homozygotes.

Submission:

CeGaT Center for Human Genetics Tuebingen
Classification: Likely benign. Last evaluated: 2024-06-01. Review status: criteria provided, single submitter. Criteria: CeGaT Center For Human Genetics Tuebingen Variant Classification Criteria Version 2. Collection method: clinical testing. Allele origin: germline. Affected: yes. Observed: 1 variant allele.
Comment: KCNAB2: BP4, BP7